The following is an entry in ClinVar:

ClinVar aggregate classification (germline): Conflicting classifications of pathogenicity. Review status: criteria provided, conflicting classifications (1 of 4 stars). 9 submissions from 9 submitters: Uncertain significance (7); Likely benign (1). 1 of the submissions does not count toward it. Last evaluated 2026-01-31.

Conditions:
VHL-related disorder. Also called: VHL-related condition.
Von Hippel-Lindau syndrome (VHLS). Also called: von Hippel–Lindau syndrome; Von Hippel-Lindau; VHL syndrome. Identifiers: Orphanet 892, MedGen C0019562, MONDO:0008667, OMIM 193300. Disease mechanism: loss of function.
Chuvash polycythemia. Also called: POLYCYTHEMIA, VHL-DEPENDENT. Identifiers: Orphanet 238557, MedGen C1837915, MONDO:0009892, OMIM 263400.
Hereditary cancer-predisposing syndrome. Also called: Neoplastic Syndromes, Hereditary; Hereditary neoplastic syndrome; Hereditary Cancer Syndrome; Tumor predisposition. Identifiers: Orphanet 140162, MedGen C0027672, MeSH D009386, MONDO:0015356.

Allele frequency attached by ClinVar (database versions not stated): gnomAD exomes below 0.00001; TOPMed 0.00001.
gnomAD v4.1: 5 of 1,614,186 alleles (0.00031%); highest among the groups gnomAD compares: South Asian, 0.0022%; no homozygotes.

Submissions (9):

Labcorp Genetics (formerly Invitae), Labcorp
Classification: Uncertain significance for Von Hippel-Lindau syndrome; Chuvash polycythemia. Last evaluated: 2026-01-31. Review status: criteria provided, single submitter. Criteria: Invitae Variant Classification Sherloc (09022015). Collection method: clinical testing. Allele origin: germline.
Comment: This sequence change replaces valine, which is neutral and non-polar, with isoleucine, which is neutral and non-polar, at codon 181 of the VHL protein (p.Val181Ile). This variant is present in population databases (no rsID available, gnomAD 0.003%). This variant has not been reported in the literature in individuals affected with VHL-related conditions. ClinVar contains an entry for this variant (Variation ID: 238111). Invitae Evidence Modeling of protein sequence and biophysical properties (such as structural, functional, and spatial information, amino acid conservation, physicochemical variation, residue mobility, and thermodynamic stability) indicates that this missense variant is expected to disrupt VHL protein function with a positive predictive value of 95%. In summary, the available evidence is currently insufficient to determine the role of this variant in disease. Therefore, it has been classified as a Variant of Uncertain Significance.

Ambry Genetics
Classification: Likely benign for Hereditary cancer-predisposing syndrome. Last evaluated: 2025-08-27. Review status: criteria provided, single submitter. Criteria: Ambry Variant Classification Scheme 2023. Collection method: clinical testing. Allele origin: germline.

PreventionGenetics, part of Exact Sciences
Classification: Uncertain significance for VHL-related condition. Last evaluated: 2025-08-15. Review status: criteria provided, single submitter. Criteria: ACMG Guidelines, 2015. Collection method: clinical testing. Allele origin: germline.
Comment: The VHL c.541G>A variant is predicted to result in the amino acid substitution p.Val181Ile. To our knowledge, this variant has not been reported in the literature in individuals with VHL-related disease. This variant is reported in 0.0033% of alleles in individuals of South Asian descent in gnomAD and is classified as a variant of uncertain significance in the ClinVar database (Variation ID: 238111). At this time, the clinical significance of this variant is uncertain due to the absence of conclusive functional and genetic evidence.

Center for Genomic Medicine, Rigshospitalet, Copenhagen University Hospital
Classification: Uncertain significance. Last evaluated: 2025-03-04. Review status: criteria provided, single submitter. Criteria: ACMG Guidelines, 2015. Collection method: clinical testing. Allele origin: germline.

All of Us Research Program, National Institutes of Health
Classification: Uncertain significance for Von Hippel-Lindau syndrome. Last evaluated: 2024-06-09. Review status: criteria provided, single submitter. Criteria: ACMG Guidelines, 2015. Collection method: clinical testing. Allele origin: germline. Inheritance: Autosomal dominant inheritance. Observed: 4 variant alleles, 4 heterozygotes.
Comment: This missense variant replaces valine with isoleucine at codon 181 of the VHL protein. Computational prediction suggests that this variant may not impact protein structure and function (internally defined REVEL score threshold <= 0.5, PMID: 27666373). To our knowledge, functional studies have not been reported for this variant. This variant has not been reported in individuals affected with hereditary cancer in the literature. This variant has been identified in 1/251418 chromosomes in the general population by the Genome Aggregation Database (gnomAD). The available evidence is insufficient to determine the role of this variant in disease conclusively. Therefore, this variant is classified as a Variant of Uncertain Significance.

This study involves interpretation of variants in research participants for the purpose of population health screening. Participant phenotype was not available at the time of variant classification. Additional details can be found in publication PMID: 35346344, PMCID: PMC8962531

Color Diagnostics, LLC DBA Color Health
Classification: Uncertain significance for Von Hippel-Lindau syndrome. Last evaluated: 2024-04-05. Review status: criteria provided, single submitter. Criteria: ACMG Guidelines, 2015. Collection method: clinical testing. Allele origin: germline.
Comment: This missense variant replaces valine with isoleucine at codon 181 of the VHL protein. Computational prediction suggests that this variant may not impact protein structure and function. To our knowledge, functional studies have not been reported for this variant. This variant has not been reported in individuals affected with hereditary cancer in the literature. This variant has been identified in 1/251418 chromosomes in the general population by the Genome Aggregation Database (gnomAD). The available evidence is insufficient to determine the role of this variant in disease conclusively. Therefore, this variant is classified as a Variant of Uncertain Significance.

GeneDx
Classification: Uncertain significance. Last evaluated: 2023-03-16. Review status: criteria provided, single submitter. Criteria: GeneDx Variant Classification Process June 2021. Collection method: clinical testing. Allele origin: germline. Affected: yes.
Comment: Not observed at significant frequency in large population cohorts (gnomAD); In silico analysis supports that this missense variant does not alter protein structure/function; Has not been previously published as pathogenic or benign to our knowledge; This variant is associated with the following publications: (PMID: 28893800, 30981987, 18195360)

Sema4
Classification: Uncertain significance for Hereditary cancer-predisposing syndrome. Last evaluated: 2022-02-27. Review status: criteria provided, single submitter. Criteria: Sema4 Curation Guidelines. Collection method: curation. Allele origin: germline.
Comment: The VHL c.541G>A (p.V181I) variant has not been reported in the literature to our knowledge. This variant was observed in 1/30612 chromosomes in the South Asian population, according to the Genome Aggregation Database (PMID 32461654). The variant has been reported in ClinVar (Variation ID 238111). In silico predictions of the variant's effect on protein function are inconclusive and a molecular simulation based on the crystal structure of the VHL protein suggested that the variant has no impact on normal function of the protein (PMID 18195360). The evidence is insufficient to meet ACMG/AMP criteria for classifying the variant as benign or pathogenic. Based on the current evidence available, this variant is interpreted as a variant of uncertain significance.

Counsyl
Classification: Uncertain significance for Von Hippel-Lindau syndrome. Last evaluated: 2017-11-27. Review status: no assertion criteria provided. Collection method: clinical testing. Allele origin: unknown. Not counted in ClinVar's aggregate classification.

Literature cited by the submitters: PubMed 18195360 (cited by Ambry Genetics and Sema4); PubMed 38969834 (cited by Ambry Genetics).

NM_000551.4(VHL):c.541G>A (p.Val181Ile)

Genes: VHL (von Hippel-Lindau tumor suppressor; plus strand), LOC107303340 (3p25 von Hippel-Lindau tumor suppressor, E3 ubiquitin protein ligase Alu-mediated recombination region; plus strand). Cytogenetic location: 3p25.3.
Variant type: single nucleotide variant.
Coding change: c.541G>A on transcript NM_000551.4 (MANE Select); coding-DNA position 541, G replaced by A.
Protein change: p.Val181Ile; replaces valine 181 with isoleucine.
Molecular consequence: missense variant. On other transcripts: 3 prime UTR variant (1).
Genome position (GRCh38, 1-based): chr3:10,149,864, G>A. VCF-style: chr3-10149864-G-A. GRCh37 (hg19) VCF-style: chr3-10191548-G-A.
Other names: c.*95G>A (NM_001354723.2); c.418G>A, p.Val140Ile (NM_198156.3); short protein forms V181I, V140I.
Identifiers: ClinVar variation 238111 (VCV000238111.25), dbSNP rs878854127, ClinGen allele CA10582117.